The following is an entry in ClinVar:

NM_024675.4(PALB2):c.2716T>C (p.Trp906Arg)

Gene: PALB2 (partner and localizer of BRCA2; minus strand). Cytogenetic location: 16p12.2.
Variant type: single nucleotide variant.
Coding change: c.2716T>C on transcript NM_024675.4 (MANE Select); coding-DNA position 2716, T replaced by C.
Protein change: p.Trp906Arg; replaces tryptophan 906 with arginine.
Molecular consequence: missense variant.
Genome position (GRCh38, 1-based): chr16:23,626,268, A>G on the plus strand (T>C on the coding strand, the complement: PALB2 is on the minus strand). VCF-style: chr16-23626268-A-G. GRCh37 (hg19) VCF-style: chr16-23637589-A-G.
Other names: short protein forms W906R.
Identifiers: ClinVar variation 142914 (VCV000142914.19), dbSNP rs587782815, ClinGen allele CA169738.
Genomic context (GRCh38, chr16:23,626,268, plus strand): 5'-TCTCTTTCAGCTCGAGATTCCCACTTACCTCTGCGAAGTGCCAGGTATAAAGTTTTTCCC[A>G]CTGCCAAGCATCCAGAGCTTTCCAAAGAGAAACTACATCTTCGCAAGCAGTTATGATACA-3'
Protein context (NP_078951.2, residues 896-916): SLWKALDAWQ[Trp906Arg]EKLYTWHFAE

ClinVar aggregate classification (germline): Uncertain significance. Review status: criteria provided, multiple submitters, no conflicts (2 of 4 stars). 4 submissions from 4 submitters: Uncertain significance (4). Last evaluated 2025-04-27.

Conditions:
Hereditary cancer-predisposing syndrome. Also called: Hereditary Cancer Syndrome; Neoplastic Syndromes, Hereditary; Hereditary neoplastic syndrome; Tumor predisposition. Identifiers: Orphanet 140162, MedGen C0027672, MeSH D009386, MONDO:0015356.
Familial cancer of breast. Also called: BREAST CANCER, FAMILIAL; Hereditary breast cancer; hereditary breast carcinoma. Identifiers: Orphanet 227535, MedGen C0346153, MONDO:0016419, OMIM 114480. Disease mechanism: loss of function.

Allele frequency attached by ClinVar (database versions not stated): gnomAD exomes below 0.00001.
gnomAD v4.1: 1 of 1,614,190 alleles (0.000062%); highest among the groups gnomAD compares: African/African-American, 0.0013%; no homozygotes.

Submissions (4):

Labcorp Genetics (formerly Invitae), Labcorp
Classification: Uncertain significance for Familial cancer of breast. Last evaluated: 2025-04-27. Review status: criteria provided, single submitter. Criteria: Invitae Variant Classification Sherloc (09022015). Collection method: clinical testing. Allele origin: germline.
Comment: This sequence change replaces tryptophan, which is neutral and slightly polar, with arginine, which is basic and polar, at codon 906 of the PALB2 protein (p.Trp906Arg). This variant is not present in population databases (gnomAD no frequency). This variant has not been reported in the literature in individuals affected with PALB2-related conditions. ClinVar contains an entry for this variant (Variation ID: 142914). Invitae Evidence Modeling of protein sequence and biophysical properties (such as structural, functional, and spatial information, amino acid conservation, physicochemical variation, residue mobility, and thermodynamic stability) indicates that this missense variant is expected to disrupt PALB2 protein function with a positive predictive value of 80%. In summary, the available evidence is currently insufficient to determine the role of this variant in disease. Therefore, it has been classified as a Variant of Uncertain Significance.

Color Diagnostics, LLC DBA Color Health
Classification: Uncertain significance for Hereditary cancer-predisposing syndrome. Last evaluated: 2024-06-24. Review status: criteria provided, single submitter. Criteria: ACMG Guidelines, 2015. Collection method: clinical testing. Allele origin: germline.
Comment: This missense variant replaces tryptophan with arginine at codon 906 of the PALB2 protein. Computational prediction is inconclusive regarding the impact of this variant on protein structure and function (internally defined REVEL score threshold 0.5 < inconclusive < 0.7, PMID: 27666373). To our knowledge, functional studies have not been reported for this variant. This variant has not been reported in individuals affected with PALB2-related disorders in the literature. This variant has not been identified in the general population by the Genome Aggregation Database (gnomAD). The available evidence is insufficient to determine the role of this variant in disease conclusively. Therefore, this variant is classified as a Variant of Uncertain Significance.

Ambry Genetics
Classification: Uncertain significance for Hereditary cancer-predisposing syndrome. Last evaluated: 2024-06-19. Review status: criteria provided, single submitter. Criteria: Ambry Variant Classification Scheme 2023. Collection method: clinical testing. Allele origin: germline.

GeneDx
Classification: Uncertain significance. Last evaluated: 2020-12-04. Review status: criteria provided, single submitter. Criteria: GeneDx Variant Classification Process June 2021. Collection method: clinical testing. Allele origin: germline. Affected: yes.
Comment: Not observed in large population cohorts (Lek 2016); In silico analysis supports that this missense variant has a deleterious effect on protein structure/function; Has not been previously published as pathogenic or benign to our knowledge